The following continues an entry in ClinVar:

NM_000051.4(ATM):c.9079dup (p.Ser3027fs)

ClinVar aggregate classification (germline): Pathogenic/Likely pathogenic. Pathogenic (9); Likely pathogenic (7).

Submissions 13 to 17 of 17:

Laboratorio de Genetica e Diagnostico Molecular, Hospital Israelita Albert Einstein
Classification: Likely pathogenic for Familial cancer of breast. Last evaluated: 2022-03-09. Review status: criteria provided, single submitter. Criteria: ACMG Guidelines, 2015. Collection method: clinical testing. Allele origin: germline. Affected: yes. Observed: 1 variant allele.
Comment: ACMG classification criteria: PVS1 strong, PS4 supporting, PM2 moderated, PM3 moderated

Color Diagnostics, LLC DBA Color Health
Classification: Likely pathogenic for Hereditary cancer-predisposing syndrome. Last evaluated: 2021-01-13. Review status: criteria provided, single submitter. Criteria: ACMG Guidelines, 2015. Collection method: clinical testing. Allele origin: germline.
Comment: This variant inserts 1 nucleotide in exon 63 of the ATM gene, creating a frameshift in the last coding exon and extending the length of the ATM protein by 5 amino acids. This variant is expected to alter the FATC domain and disrupt the ATM protein function (PMID: 16603769). This variant has been reported in the compound heterozygous state with a second ATM mutation in individuals affected with ataxia telangiectasia (PMID: 15039971, 21965147). This variant has also been reported in individuals affected with colorectal cancer or hereditary breast and ovarian cancer (PMID: 26270727, 28135145). This variant has been identified in 1/251460 chromosomes in the general population by the Genome Aggregation Database (gnomAD). Loss of ATM function is a known mechanism of disease. Based on the available evidence, this variant is classified as Likely Pathogenic.

Spanish ATM Cancer Susceptibility Variant Interpretation Working Group
Classification: Likely pathogenic for Hereditary cancer-predisposing syndrome. Last evaluated: 2020-06-17. Review status: criteria provided, single submitter. Criteria: Feliubadaló L et al. (Clin Chem 2021). Collection method: clinical testing. Allele origin: germline. Affected: yes. Observed: 1 heterozygote.
Comment: The c.9079dup (p.Ser3027Lysfs*36) variant duplicates one nucleotide in the last exon of ATM. It is predicted to create a frame shift and result in an extension of the protein, not triggering nonsense-mediated mRNA decay (NMD). The frame shift after residue 3027 alters the FATC domain, critical for ATM activation as its interaction with the Tip60 histone acetyltransferase allows ATM acetylation and then autophosphorylation (PVS1_Strong, according to the PVS1 algorithm recommended by ACMG/AMP in 2018; PMID: 30192042). This variant appears only once in the gnomAD v2.1.1 non-cancer dataset, specifically in the African subpopulation (PM2). Moreover, it was detected in two ataxia-telangiectasia probands (PS4_Moderate; PMID: 15039971, 21965147). Therefore, this variant meets criteria to be classified as likely pathogenic. Adapted ACMG/AMP rules applied as defined by the Spanish ATM working group: PVS1_Strong + PM2 + PS4_Moderate (PMID: 33280026).

Mendelics
Classification: Likely pathogenic for Ataxia-telangiectasia syndrome. Last evaluated: 2019-05-28. Review status: criteria provided, single submitter. Criteria: Mendelics Assertion Criteria 2017. Collection method: clinical testing. Allele origin: unknown.

Counsyl
Classification: Likely pathogenic for Ataxia-telangiectasia syndrome. Last evaluated: 2016-09-29. Review status: no assertion criteria provided. Collection method: clinical testing. Allele origin: unknown. Not counted in ClinVar's aggregate classification.

Literature cited by the submitters: PubMed 15039971 (cited by 9 submitters); PubMed 21965147 (cited by 7 submitters); PubMed 26270727 (cited by 3 submitters); PubMed 8755918 (cited by Labcorp Genetics (formerly Invitae), Labcorp); PubMed 19431188 (cited by Labcorp Genetics (formerly Invitae), Labcorp); PubMed 19691550 (cited by Labcorp Genetics (formerly Invitae), Labcorp); PubMed 30192042 (cited by Spanish ATM Cancer Susceptibility Variant Interpretation Working Group); PubMed 26246601 (cited by Counsyl); PubMed 23671275 (cited by Counsyl); PubMed 16603769 (cited by Counsyl).